The following is an entry in ClinVar:

NM_001004019.2(FBLN2):c.2701A>G (p.Thr901Ala)

Gene: FBLN2 (fibulin 2; plus strand). Cytogenetic location: 3p25.1.
Variant type: single nucleotide variant.
Coding change: c.2701A>G on transcript NM_001004019.2 (MANE Select); coding-DNA position 2701, A replaced by G.
Protein change: p.Thr901Ala; replaces threonine 901 with alanine.
Molecular consequence: missense variant.
Genome position (GRCh38, 1-based): chr3:13,629,036, A>G. VCF-style: chr3-13629036-A-G. GRCh37 (hg19) VCF-style: chr3-13670536-A-G.
Other names: c.2701A>G, p.Thr901Ala (NM_001165035.2); c.2560A>G, p.Thr854Ala (NM_001998.3); short protein forms T854A, T901A.
Identifiers: ClinVar variation 1342031 (VCV001342031.3), dbSNP rs9843344, ClinGen allele CA2265918.

ClinVar aggregate classification (germline): Benign. Review status: criteria provided, multiple submitters, no conflicts (2 of 4 stars). 2 submissions from 2 submitters: Benign (2). Last evaluated 2022-02-15.

Allele frequency attached by ClinVar (database versions not stated): gnomAD exomes 0.68965 and 0.73982; ESP Exome Variant Server 0.69568; gnomAD 0.71806 and 0.72326; TOPMed 0.72878; ExAC 0.73641; 1000 Genomes Project 30x 0.80262; 1000 Genomes Project 0.80531.
gnomAD v4.1: 1,118,054 of 1,612,856 alleles (69%); highest among the groups gnomAD compares: East Asian, 99%; 391,778 homozygotes.

Submissions (2):

GeneDx
Classification: Benign. Last evaluated: 2022-02-15. Review status: criteria provided, single submitter. Criteria: GeneDx Variant Classification Process June 2021. Collection method: clinical testing. Allele origin: germline. Affected: yes.
Comment: This variant is associated with the following publications: (PMID: 25108385)

Breakthrough Genomics
Classification: Benign. Review status: criteria provided, single submitter. Criteria: ACMG Guidelines, 2015. Collection method: not provided. Allele origin: germline. Inheritance: Unknown mechanism. Affected: yes.